The following is an entry in ClinVar:

ClinVar aggregate classification (germline): Conflicting classifications of pathogenicity. Review status: criteria provided, conflicting classifications (1 of 4 stars). 4 submissions from 4 submitters: Uncertain significance (1); Likely benign (3). Last evaluated 2026-01-12.

Conditions:
Inborn genetic diseases. Identifiers: MedGen C0950123, MeSH D030342.
Intellectual developmental disorder, autosomal dominant 1. Also called: Intellectual disability, autosomal dominant 1; MBD5 Haploinsufficiency. Identifiers: Orphanet 228402, MedGen C1969562, MONDO:0007974, OMIM 156200.

Allele frequency attached by ClinVar (database versions not stated): gnomAD exomes below 0.00001 and 0.00003; gnomAD 0.00001; ExAC 0.00002; TOPMed 0.00002.
gnomAD v4.1: 19 of 1,614,056 alleles (0.0012%); highest among the groups gnomAD compares: East Asian, 0.0022%; no homozygotes.

Submissions (4):

Labcorp Genetics (formerly Invitae), Labcorp
Classification: Uncertain significance for Intellectual developmental disorder, autosomal dominant 1. Last evaluated: 2026-01-12. Review status: criteria provided, single submitter. Criteria: Invitae Variant Classification Sherloc (09022015). Collection method: clinical testing. Allele origin: germline.
Comment: This sequence change replaces alanine, which is neutral and non-polar, with serine, which is neutral and polar, at codon 1119 of the MBD5 protein (p.Ala1119Ser). This variant is present in population databases (rs373177231, gnomAD 0.03%). This variant has not been reported in the literature in individuals affected with MBD5-related conditions. ClinVar contains an entry for this variant (Variation ID: 206116). Experimental studies and prediction algorithms are not available or were not evaluated, and the functional significance of this variant is currently unknown. In summary, the available evidence is currently insufficient to determine the role of this variant in disease. Therefore, it has been classified as a Variant of Uncertain Significance.

Ambry Genetics
Classification: Likely benign for Inborn genetic diseases. Last evaluated: 2025-04-02. Review status: criteria provided, single submitter. Criteria: Ambry Variant Classification Scheme 2023. Collection method: clinical testing. Allele origin: germline.

Blueprint Genetics
Classification: Likely benign. Last evaluated: 2024-05-24. Review status: criteria provided, single submitter. Criteria: ACMG Guidelines, 2015. Collection method: clinical testing. Allele origin: germline.

GeneDx
Classification: Likely benign. Last evaluated: 2017-05-19. Review status: criteria provided, single submitter. Criteria: GeneDx Variant Classification (06012015). Collection method: clinical testing. Allele origin: germline. Affected: yes.
Comment: This variant is considered likely benign or benign based on one or more of the following criteria: it is a conservative change, it occurs at a poorly conserved position in the protein, it is predicted to be benign by multiple in silico algorithms, and/or has population frequency not consistent with disease.

NM_001378120.1(MBD5):c.4054G>T (p.Ala1352Ser)

Gene: MBD5 (methyl-CpG binding domain protein 5; plus strand). Cytogenetic location: 2q23.1.
Variant type: single nucleotide variant.
Coding change: c.4054G>T on transcript NM_001378120.1 (MANE Select); coding-DNA position 4054, G replaced by T.
Protein change: p.Ala1352Ser; replaces alanine 1352 with serine.
Molecular consequence: missense variant.
Genome position (GRCh38, 1-based): chr2:148,489,686, G>T. VCF-style: chr2-148489686-G-T. GRCh37 (hg19) VCF-style: chr2-149247255-G-T.
Other names: p.A1119S:GCT>TCT; c.3355G>T, p.Ala1119Ser (NM_018328.5); short protein forms A1119S, A1352S.
Identifiers: ClinVar variation 206116 (VCV000206116.10), dbSNP rs373177231, ClinGen allele CA315887.